The following is an entry in ClinVar:

NM_007294.4(BRCA1):c.4372C>T (p.Gln1458Ter)

Gene: BRCA1 (BRCA1 DNA repair associated; minus strand). Cytogenetic location: 17q21.31.
Variant type: single nucleotide variant.
Coding change: c.4372C>T on transcript NM_007294.4 (MANE Select); coding-DNA position 4372, C replaced by T.
Protein change: p.Gln1458Ter; replaces glutamine 1458 with a stop codon.
Molecular consequence: nonsense. On other transcripts: non-coding transcript variant (1).
Genome position (GRCh38, 1-based): chr17:43,076,600, G>A on the plus strand (C>T on the coding strand, the complement: BRCA1 is on the minus strand). VCF-style: chr17-43076600-G-A. GRCh37 (hg19) VCF-style: chr17-41228617-G-A.
Other names: 4491C>T; c.4036C>T, p.Gln1346Ter (NM_001407951.1, NM_001407950.1, NM_001407952.1 and 3 more transcripts); c.4372C>T, p.Gln1458Ter (NM_001407602.1, NM_001407603.1, NM_001407605.1 and 8 more transcripts); c.4369C>T, p.Gln1457Ter (NM_001407610.1, NM_001407611.1, NM_001407612.1 and 17 more transcripts); c.4366C>T, p.Gln1456Ter (NM_001407627.1, NM_001407628.1, NM_001407629.1 and 14 more transcripts); c.4360C>T, p.Gln1454Ter (NM_001407646.1); c.4357C>T, p.Gln1453Ter (NM_001407647.1); c.4315C>T, p.Gln1439Ter (NM_001407648.1); and 69 more; short protein forms Q1458*, Q1411*, Q1479*, Q354*, Q1415*, Q1430*, Q1431*, Q1453*.
Identifiers: ClinVar variation 55183 (VCV000055183.27), dbSNP rs80356932, ClinGen allele CA002803.

ClinVar aggregate classification (germline): Pathogenic. Review status: reviewed by expert panel (3 of 4 stars). 12 submissions from 12 submitters: Pathogenic (1). 11 of the submissions do not count toward it. Last evaluated 2016-09-08.

Conditions:
Hereditary cancer-predisposing syndrome. Also called: Hereditary Cancer Syndrome; Hereditary neoplastic syndrome; Neoplastic Syndromes, Hereditary; Tumor predisposition. Identifiers: Orphanet 140162, MedGen C0027672, MeSH D009386, MONDO:0015356.
BRCA1-related cancer predisposition. Identifiers: MedGen CN377757, MONDO:0700268.
Hereditary breast ovarian cancer syndrome. Also called: BRCA1- and BRCA2-Associated Hereditary Breast and Ovarian Cancer; Hereditary breast and ovarian cancer syndrome; Hereditary breast and ovarian cancer syndrome (HBOC); Breast and ovarian cancer; Hereditary breast and/or ovarian cancer syndrome; Hereditary breast and ovarian cancer. Identifiers: Orphanet 145, MedGen C0677776, MeSH D061325, MONDO:0003582. Disease mechanism: loss of function.
Breast-ovarian cancer, familial, susceptibility to, 1 (BROVCA1). Also called: BRCA1 Hereditary Breast and Ovarian Cancer; OVARIAN CANCER, SUSCEPTIBILITY TO. Identifiers: Orphanet 145, MedGen C2676676, MONDO:0011450, OMIM 604370. Disease mechanism: loss of function.

gnomAD v4.1: 1 of 1,613,442 alleles (0.000062%); highest among the groups gnomAD compares: East Asian, 0.0022%; no homozygotes.

Submissions (12):

Evidence-based Network for the Interpretation of Germline Mutant Alleles (ENIGMA)
Classification: Pathogenic for Breast-ovarian cancer, familial, susceptibility to, 1. Last evaluated: 2016-09-08. Review status: reviewed by expert panel. Criteria: ENIGMA BRCA1/2 Classification Criteria (2015). Collection method: curation. Allele origin: germline.
Comment: Variant allele predicted to encode a truncated non-functional protein.

Labcorp Genetics (formerly Invitae), Labcorp
Classification: Pathogenic for Hereditary breast ovarian cancer syndrome. Last evaluated: 2025-12-27. Review status: criteria provided, single submitter. Criteria: Invitae Variant Classification Sherloc (09022015). Collection method: clinical testing. Allele origin: germline. Not counted in ClinVar's aggregate classification.
Comment: This sequence change creates a premature translational stop signal (p.Gln1458*) in the BRCA1 gene. It is expected to result in an absent or disrupted protein product. Loss-of-function variants in BRCA1 are known to be pathogenic (PMID: 20104584). This variant is not present in population databases (gnomAD no frequency). This premature translational stop signal has been observed in individual(s) with breast cancer and ovarian cancer (PMID: 28724667, 29446198, 29752822, 30078507, 30702160). ClinVar contains an entry for this variant (Variation ID: 55183). RNA analysis performed to evaluate the impact of this premature translational stop signal on mRNA splicing indicates it does not significantly alter splicing (internal data). For these reasons, this variant has been classified as Pathogenic.

Color Diagnostics, LLC DBA Color Health
Classification: Pathogenic for Hereditary cancer-predisposing syndrome. Last evaluated: 2024-07-01. Review status: criteria provided, single submitter. Criteria: ACMG Guidelines, 2015. Collection method: clinical testing. Allele origin: germline. Not counted in ClinVar's aggregate classification.
Comment: This variant changes 1 nucleotide in exon 13 of the BRCA1 gene, creating a premature translation stop signal. This variant is expected to result in an absent or non-functional protein product. This variant has been reported in at least 10 individuals affected with breast and/or ovarian cancer (PMID: 19353265, 24578176, 25480878, 28724667, 29752822, 30078507, 30702160, 31124283) and detected in a breast cancer case-control meta-analysis in 2/60466 cases and 0/53461 unaffected individuals (PMID: 33471991; Leiden Open Variation Database DB-ID BRCA1_002211). This variant has not been identified in the general population by the Genome Aggregation Database (gnomAD). Loss of BRCA1 function is a known mechanism of disease. Based on the available evidence, this variant is classified as Pathogenic.

Ambry Genetics
Classification: Pathogenic for Hereditary cancer-predisposing syndrome. Last evaluated: 2024-06-05. Review status: criteria provided, single submitter. Criteria: Ambry Variant Classification Scheme 2023. Collection method: clinical testing. Allele origin: germline. Not counted in ClinVar's aggregate classification.
Comment: The p.Q1458* pathogenic mutation (also known as c.4372C>T), located in coding exon 12 of the BRCA1 gene, results from a C to T substitution at nucleotide position 4372. This changes the amino acid from a glutamine to a stop codon within coding exon 12. This alteration has been identified in multiple individuals diagnosed with breast and/or ovarian cancer (Rostagno P et al. J Hum Genet. 2003;48(7):362-6; Kwong A et al. Breast Cancer Res. Treat. 2009; 117:683-6; Sun J et al. Clin Cancer Res, 2017 Oct;23:6113-6119; Li A et al. Gynecol Oncol, 2018 10;151:145-152; Bhaskaran SP et al. Int J Cancer, 2019 08;145:962-973; Li JY et al. Int J Cancer, 2019 01;144:281-289; Dorling et al. N Engl J Med. 2021 02;384:428-439). Additionally, this alteration was identified in a large, worldwide study of BRCA1/2 mutation positive families (Rebbeck TR et al. Hum Mutat, 2018 05;39:593-620). This variant is considered to be rare based on population cohorts in the Genome Aggregation Database (gnomAD). In addition to the clinical data presented in the literature, this alteration is expected to result in loss of function by premature protein truncation or nonsense-mediated mRNA decay. As such, this alteration is interpreted as a disease-causing mutation.

All of Us Research Program, National Institutes of Health
Classification: Pathogenic for BRCA1-related cancer predisposition. Last evaluated: 2024-05-06. Review status: criteria provided, single submitter. Criteria: ACMG Guidelines, 2015. Collection method: clinical testing. Allele origin: germline. Inheritance: Autosomal dominant inheritance. Observed: 1 variant allele, 1 heterozygote. Not counted in ClinVar's aggregate classification.
Comment: The c.4372C>T (p.Gln1458*) variant of the BRCA1 gene creates an early stop codon. It is predicted to result in an absent or disrupted protein product. This variant has been reported in multiple individuals with breast cancer and/or ovarian cancer (PMID: 10340909, 19353265, 21120943, 24578176, 28724667, 29446198, 29752822, 30078507, 30702160). This variant is absent in the general population database gnomAD. This variant has been reported in ClinVar (Variation ID: 55183). Loss-of-function variants in BRCA1 are known to be pathogenic (PMID: 21989022, 17661172, 22762150). Therefore, the c.4372C>T (p.Gln1458*) variant of the BRCA1 gene is classified as pathogenic.

This study involves interpretation of variants in research participants for the purpose of population health screening. Participant phenotype was not available at the time of variant classification. Additional details can be found in publication PMID: 35346344, PMCID: PMC8962531

Baylor Genetics
Classification: Pathogenic for Breast-ovarian cancer, familial, susceptibility to, 1. Last evaluated: 2023-02-22. Review status: criteria provided, single submitter. Criteria: ACMG Guidelines, 2015. Collection method: clinical testing. Allele origin: unknown. Not counted in ClinVar's aggregate classification.

Mayo Clinic Laboratories, Mayo Clinic
Classification: Pathogenic. Last evaluated: 2022-11-23. Review status: criteria provided, single submitter. Criteria: ACMG Guidelines, 2015. Collection method: clinical testing. Allele origin: germline. Observed: 1 variant allele. Not counted in ClinVar's aggregate classification.
Comment: PP5, PM2, PS4_moderate, PVS1

GeneDx
Classification: Pathogenic. Last evaluated: 2018-09-18. Review status: criteria provided, single submitter. Criteria: GeneDx Variant Classification (06012015). Collection method: clinical testing. Allele origin: germline. Affected: yes. Not counted in ClinVar's aggregate classification.
Comment: This variant is denoted BRCA1 c.4372C>T at the cDNA level and p.Gln1458Ter (Q1458X) at the protein level. The substitution creates a nonsense variant, which changes a Glutamine to a premature stop codon (CAG>TAG) , and is predicted to cause loss of normal protein function through either protein truncation or nonsense-mediated mRNA decay. This variant has been reported in association with breast and/or ovarian cancer (Tang 1999, Caux-Moncoutier 2011, Kang 2014, Wang 2015) and is considered pathogenic.

Consortium of Investigators of Modifiers of BRCA1/2 (CIMBA), c/o University of Cambridge
Classification: Pathogenic for Breast-ovarian cancer, familial, susceptibility to, 1. Last evaluated: 2015-10-02. Review status: criteria provided, single submitter. Criteria: CIMBA Mutation Classification guidelines May 2016. Collection method: clinical testing. Allele origin: germline. Not counted in ClinVar's aggregate classification.

Genesis Genomics
Classification: Pathogenic for Breast-ovarian cancer, familial, susceptibility to, 1. Review status: criteria provided, single submitter. Criteria: ACMG Guidelines, 2015. Collection method: clinical testing. Allele origin: germline. Affected: yes. Observed: 1 variant allele. Not counted in ClinVar's aggregate classification.

Breast Cancer Information Core (BIC) (BRCA1)
No classification provided. Condition: Breast-ovarian cancer, familial 1. Review status: no classification provided. Collection method: clinical testing. Allele origin: germline, somatic. Affected: yes. Observed: 3 variant alleles. Not counted in ClinVar's aggregate classification.

Department of Pathology and Laboratory Medicine, Sinai Health System
Classification: Uncertain significance. Review status: no assertion criteria provided. Collection method: clinical testing. Allele origin: unknown. Affected: yes. Observed: 7 variant alleles. Study: The Canadian Open Genetics Repository (COGR). Not counted in ClinVar's aggregate classification.

Literature cited by the submitters: PubMed 20104584 (cited by Labcorp Genetics (formerly Invitae), Labcorp); PubMed 28724667 (cited by 5 submitters); PubMed 29446198 (cited by 3 submitters); PubMed 29752822 (cited by 5 submitters); PubMed 30078507 (cited by 5 submitters); PubMed 30702160 (cited by 5 submitters); PubMed 19353265 (cited by 4 submitters); PubMed 24578176 (cited by 3 submitters); PubMed 25480878 (cited by Color Diagnostics, LLC DBA Color Health); PubMed 31124283 (cited by Color Diagnostics, LLC DBA Color Health and Mayo Clinic Laboratories, Mayo Clinic); PubMed 33471991 (cited by Color Diagnostics, LLC DBA Color Health and Ambry Genetics); PubMed 10340909 (cited by All of Us Research Program, National Institutes of Health and Mayo Clinic Laboratories, Mayo Clinic); PubMed 17661172 (cited by All of Us Research Program, National Institutes of Health); PubMed 21120943 (cited by All of Us Research Program, National Institutes of Health); PubMed 21989022 (cited by All of Us Research Program, National Institutes of Health); PubMed 22762150 (cited by All of Us Research Program, National Institutes of Health).